The following is an entry in ClinVar:

ClinVar aggregate classification (germline): Likely benign. Review status: criteria provided, multiple submitters, no conflicts (2 of 4 stars). 3 submissions from 3 submitters: Likely benign (3). Last evaluated 2026-06-01.

Allele frequency attached by ClinVar (database versions not stated): gnomAD 0.00006 and 0.00007; gnomAD exomes 0.00009 and 0.00024; ExAC 0.00013; TOPMed 0.00014.

Submissions (3):

CeGaT Center for Human Genetics Tuebingen
Classification: Likely benign. Last evaluated: 2026-06-01. Review status: criteria provided, single submitter. Criteria: CeGaT Center For Human Genetics Tuebingen Variant Classification Criteria Version 2. Collection method: clinical testing. Allele origin: germline. Affected: yes. Observed: 2 variant alleles.
Comment: JAG2: BP4, BP7

Women's Health and Genetics/Laboratory Corporation of America, LabCorp
Classification: Likely benign. Last evaluated: 2026-02-16. Review status: criteria provided, single submitter. Criteria: LabCorp Variant Classification Summary - May 2015. Collection method: clinical testing. Allele origin: germline.

Labcorp Genetics (formerly Invitae), Labcorp
Classification: Likely benign. Last evaluated: 2018-08-08. Review status: criteria provided, single submitter. Criteria: Invitae Variant Classification Sherloc (09022015). Collection method: clinical testing. Allele origin: germline.

NM_002226.5(JAG2):c.1572C>T (p.Cys524=)

Gene: JAG2 (jagged canonical Notch ligand 2; minus strand). Cytogenetic location: 14q32.33.
Variant type: single nucleotide variant.
Coding change: c.1572C>T on transcript NM_002226.5 (MANE Select); coding-DNA position 1572, C replaced by T.
Protein change: p.Cys524=; no amino-acid change (cysteine 524 retained).
Molecular consequence: synonymous variant.
Genome position (GRCh38, 1-based): chr14:105,150,634, G>A on the plus strand (C>T on the coding strand, the complement: JAG2 is on the minus strand). VCF-style: chr14-105150634-G-A. GRCh37 (hg19) VCF-style: chr14-105616971-G-A.
Other names: c.1458C>T, p.Cys486= (NM_145159.3).
Identifiers: ClinVar variation 737904 (VCV000737904.17), dbSNP rs772996297, ClinGen allele CA7385971.